The following is an entry in ClinVar:

ClinVar aggregate classification (germline): Uncertain significance. Review status: criteria provided, multiple submitters, no conflicts (2 of 4 stars). 2 submissions from 2 submitters: Uncertain significance (2). Last evaluated 2023-11-27.

Conditions:
Inborn genetic diseases. Identifiers: MedGen C0950123, MeSH D030342.
Neuropathy, hereditary sensory, type 2C. Also called: KIF1A-Related HSAN2 (HSAN2C); Hereditary sensory and autonomic neuropathy type IIC. Identifiers: Orphanet 970, MedGen C3280168, MONDO:0013634, OMIM 614213.
Intellectual disability, autosomal dominant 9 (NESCAVS). Also called: NESCAV SYNDROME; KIF1A-Related Neurodevelopmental Disorder. Identifiers: Orphanet 662367, MedGen C5393830, MONDO:0013656, OMIM 614255.
Hereditary spastic paraplegia 30. Identifiers: Orphanet 101010, MedGen C5235139, MONDO:0012476.

Allele frequency attached by ClinVar (database versions not stated): gnomAD exomes below 0.00001.
gnomAD v4.1: 4 of 1,612,294 alleles (0.00025%); highest among the groups gnomAD compares: South Asian, 0.0011%; no homozygotes.

Submissions (2):

Labcorp Genetics (formerly Invitae), Labcorp
Classification: Uncertain significance for Hereditary spastic paraplegia 30; Neuropathy, hereditary sensory, type 2C; Intellectual disability, autosomal dominant 9. Last evaluated: 2023-11-27. Review status: criteria provided, single submitter. Criteria: Invitae Variant Classification Sherloc (09022015). Collection method: clinical testing. Allele origin: germline.
Comment: This sequence change falls in intron 25 of the KIF1A gene. It does not directly change the encoded amino acid sequence of the KIF1A protein. It affects a nucleotide within the consensus splice site. This variant is present in population databases (no rsID available, gnomAD 0.003%). This variant has not been reported in the literature in individuals affected with KIF1A-related conditions. ClinVar contains an entry for this variant (Variation ID: 589161). Variants that disrupt the consensus splice site are a relatively common cause of aberrant splicing (PMID: 17576681, 9536098). Algorithms developed to predict the effect of sequence changes on RNA splicing suggest that this variant is not likely to affect RNA splicing. In summary, the available evidence is currently insufficient to determine the role of this variant in disease. Therefore, it has been classified as a Variant of Uncertain Significance.

Ambry Genetics
Classification: Uncertain significance for Inborn genetic diseases. Last evaluated: 2017-10-03. Review status: criteria provided, single submitter. Criteria: Ambry Variant Classification Scheme 2023. Collection method: clinical testing. Allele origin: germline.
Comment: The c.2675-3C>T intronic variant results from a C to T substitution 3 nucleotides upstream from coding exon 26 in the KIF1A gene. This nucleotide position is well conserved in available vertebrate species. Using two different splice site prediction tools, this alteration is predicted by ESEfinder to weaken the efficiency of the native splice acceptor site, but is not predicted to have a deleterious effect on this splice acceptor site by BDGP; however, direct evidence is unavailable. Since supporting evidence is limited at this time, the clinical significance of this alteration remains unclear.

Literature cited by the submitters: PubMed 17576681 (cited by Labcorp Genetics (formerly Invitae), Labcorp); PubMed 9536098 (cited by Labcorp Genetics (formerly Invitae), Labcorp).

NM_001244008.2(KIF1A):c.2978-3C>T

Gene: KIF1A (kinesin family member 1A; minus strand). Cytogenetic location: 2q37.3.
Variant type: single nucleotide variant.
Coding change: c.2978-3C>T on transcript NM_001244008.2 (MANE Select); 3 bases into the intron before coding-DNA position 2978, C replaced by T.
Molecular consequence: intron variant.
Genome position (GRCh38, 1-based): chr2:240,747,324, G>A on the plus strand (C>T on the coding strand, the complement: KIF1A is on the minus strand). VCF-style: chr2-240747324-G-A. GRCh37 (hg19) VCF-style: chr2-241686741-G-A.
Other names: c.2675-3C>T (NM_001379653.1, NM_001379650.1, NM_001379640.1 and 6 more transcripts); c.2951-3C>T (NM_001379645.1, NM_001379633.1, NM_001379642.1); c.2777-3C>T (NM_001379635.1, NM_001330290.2, NM_001379646.1 and 1 more transcripts); c.2927-3C>T (NM_001379632.1); c.2750-3C>T (NM_001379637.1, NM_001379648.1); c.2702-3C>T (NM_001320705.2, NM_001379638.1, NM_001330289.2); c.3053-3C>T (NM_001379631.1).
Identifiers: ClinVar variation 589161 (VCV000589161.11), dbSNP rs1318205052, ClinGen allele CA540550563.